The following is an entry in ClinVar:

NM_001367624.2(ZNF469):c.10363_10369dup (p.Gly3457fs)

Gene: ZNF469 (zinc finger protein 469; plus strand). Cytogenetic location: 16q24.2.
Variant type: Duplication.
Coding change: c.10363_10369dup on transcript NM_001367624.2 (MANE Select); coding-DNA positions 10363 to 10369, 7 bases duplicated (AGGCCGG; older notation c.10363_10369dupAGGCCGG).
Protein change: p.Gly3457fs; shifts the reading frame from glycine 3457.
Molecular consequence: frameshift variant.
Genome position (GRCh38, 1-based): chr16:88,437,833-88,437,839, AGGCCGG duplicated; duplicating any 7 consecutive bases within chr16:88,437,830-88,437,839 gives the same sequence; the c. name uses the placement nearest the transcript's 3' end. VCF-style (leftmost placement, unchanged base first): chr16-88437829-G-GCGGAGGC. GRCh37 (hg19) VCF-style: chr16-88504237-G-GCGGAGGC.
Other names: short protein forms G3457fs.
Identifiers: ClinVar variation 3674477 (VCV003674477.2).

ClinVar aggregate classification (germline): Pathogenic (1 of 4 stars; one submission).

Submission:

Labcorp Genetics (formerly Invitae), Labcorp
Classification: Pathogenic. Last evaluated: 2024-02-22. Review status: criteria provided, single submitter. Criteria: Invitae Variant Classification Sherloc (09022015). Collection method: clinical testing. Allele origin: germline.
Comment: This sequence change creates a premature translational stop signal (p.Gly3429Glufs*48) in the ZNF469 gene. While this is not anticipated to result in nonsense mediated decay, it is expected to disrupt the last 497 amino acid(s) of the ZNF469 protein. This variant is not present in population databases (gnomAD no frequency). This variant has not been reported in the literature in individuals affected with ZNF469-related conditions. This variant disrupts a region of the ZNF469 protein in which other variant(s) (p.Pro3556Glnfs*136) have been determined to be pathogenic (PMID: 32671420). This suggests that this is a clinically significant region of the protein, and that variants that disrupt it are likely to be disease-causing. For these reasons, this variant has been classified as Pathogenic.

Literature cited by the submitters: PubMed 32671420.